The following continues an entry in ClinVar:

NM_007294.4(BRCA1):c.1396C>G (p.Arg466Gly)

Gene: BRCA1. ClinVar aggregate classification (germline): Conflicting classifications of pathogenicity. Uncertain significance (10); Likely benign (1).

Submissions 11 to 16 of 16:

Women's Health and Genetics/Laboratory Corporation of America, LabCorp
Classification: Uncertain significance. Last evaluated: 2017-03-07. Review status: criteria provided, single submitter. Criteria: LabCorp Variant Classification Summary - May 2015. Collection method: clinical testing. Allele origin: germline.
Comment: Variant summary: The BRCA1 c.1396C>G (p.Arg466Gly) variant located in the serine-rich domain (via InterPro) involves the alteration of a non-conserved nucleotide, which 4/5 in silico tools predict a damaging outcome, although these predictions have yet to be functionally assessed. The variant of interest was absent in 121376 control chromosomes (ExAC). A publication cites the variant in an affected individual with limited information (ie, no cosegregation information). In addition, multiple clinical diagnostic laboratories classified this variant as uncertain significance. Therefore, until additional information becomes available (ie, clinical and functional studies), the variant of interest has been classified as a "Variant of Uncertain Significance (VUS)."

Diagnostics Centre, Carl Von Ossietzky University Oldenburg
Classification: Uncertain significance for Breast-ovarian cancer, familial, susceptibility to, 1. Last evaluated: 2024-10-17. Review status: no assertion criteria provided. Collection method: clinical testing. Allele origin: germline. Affected: yes. Observed: 1 variant allele. Not counted in ClinVar's aggregate classification.
Comment: The variant BRCA1:c.1396C>G p.(Arg466Gly), located in the coding exon 10 of BRCA1 gene, results from a cytosine to guanine substitution at nucleotide position c.1396. The arginine residue at protein position 466 is replaced by a glycine. This amino acid position is not highly conserved in the available vertebrate species. The impact of the variant in the protein structure/function is assessed as unclear by in silico tools (Revel = 0.593). The variant has been reported in multiple patients affected with breast cancer (PMID:22425665; 30199306). This variant has been classified in eight entries as variant of unclear significance and once as a probably benign variant (ClinVar ID: 54240). This variant is classified as very rare in the overall population (MAF 1,8 * e-6 in gnomAD, v4.1.0). In summary, the variant is classified as variant of uncertain significance.

KCCC/NGS Laboratory, Kuwait Cancer Control Center
Classification: Uncertain significance for Breast-ovarian cancer, familial, susceptibility to, 1. Last evaluated: 2023-05-05. Review status: no assertion criteria provided. Collection method: clinical testing. Allele origin: germline. Affected: yes. Not counted in ClinVar's aggregate classification.
Comment: a variant of uncertain significance in the BRCA1 gene (p.Arg466Gly). The p.R466G variant (also known as c.1396C>G), located in coding exon 10 of the BRCA1 gene, results from a C to G substitution at nucleotide position 1396. The arginine at codon 466 is replaced by glycine, an amino acid with dissimilar properties. This alteration was identified in Moroccan and Saudi Arabian high-risk breast cancer cohorts (Tazzite A et al. Gynecol. Oncol. 2012 Jun;125:687-92; Abulkhair O et al. J Glob Oncol, 2018 08;4:1-9). This amino acid position is poorly conserved in available vertebrate species. In-silico analysis showed conflicting results. ClinVar has an entry for this variant with 6 submissions, two stars, and no conflict. This variant is not found in gnomAD genomes. Currently, the pathogenicity of this variant is not clear. Therefore, it is classified as variant of uncertain significance. Pathogenic/likely pathogenic mutations cause hereditary breast/ovarian cancer syndrome (HBOS).

Counsyl
Classification: Uncertain significance for Breast-ovarian cancer, familial, susceptibility to, 1. Last evaluated: 2016-03-28. Review status: no assertion criteria provided. Collection method: clinical testing. Allele origin: unknown. Not counted in ClinVar's aggregate classification.

Breast Cancer Information Core (BIC) (BRCA1)
Classification: Uncertain significance for Breast-ovarian cancer, familial 1. Review status: no assertion criteria provided. Collection method: clinical testing. Allele origin: germline. Affected: yes. Observed: 1 variant allele. Not counted in ClinVar's aggregate classification.

Department of Pathology and Laboratory Medicine, Sinai Health System
Classification: Uncertain significance for Breast-ovarian cancer, familial, susceptibility to, 1. Review status: no assertion criteria provided. Collection method: clinical testing. Allele origin: unknown. Affected: yes. Study: The Canadian Open Genetics Repository (COGR). Not counted in ClinVar's aggregate classification.
Comment: The BRCA1 p.Arg466Gly variant was identified in 1 of 80 proband chromosomes (frequency: 0.01) from Moroccan individuals or families with early onset and familial breast/ovarian cancer (Tazzite_2012_22425665). Results of two evolutionary models predicting the significance of specific sites in BRCA1 exon 11 were conflicting, 1 study finding the variant had a functional effect and the other finding it did not have a functional effect (Burk-Herrick_2005_16518693, Fleming_2003_12531920). The variant was also identified in dbSNP (ID: rs80356964) â€šÃ„ÃºWith Uncertain significance,other alleleâ€šÃ„Ã¹, ClinVar (classified uncertain significance by Counsyl, Ambry Genetics and BIC; and classification not provided by Invitae), Clinvitae (1x), LOVD 3.0 (1x), and BIC Database (1x, with unknown clinical importance, classification pending). The variant was not identified in UMD (unavailable), MutDB, GeneInsight-COGR, Cosmic, ARUP Laboratories, Zhejiang Colon Cancer Database, the 1000 Genomes Project, the NHLBI GO Exome Sequencing Project, the Exome Aggregation Consortium (August 8th 2016), or the Genome Aggregation Database (Feb 27, 2017). The p.Arg466 residue is not conserved in mammals and computational analyses (PolyPhen-2, SIFT, AlignGVGD, BLOSUM, MutationTaster) provide inconsistent predictions regarding the impact of the variant Gly to the protein; this information is not very predictive of pathogenicity. The variant occurs outside of the splicing consensus sequence and in silico or computational prediction software programs (SpliceSiteFinder, MaxEntScan, NNSPLICE, GeneSplicer, HumanSpliceFinder) do not predict a difference in splicing. In summary, based on the above information the clinical significance of this variant cannot be determined with certainty at this time. This variant is classified as a variant of uncertain significance.

Literature cited by the submitters: PubMed 32885271 (cited by 4 submitters); PubMed 16518693 (cited by Ambry Genetics and Quest Diagnostics Nichols Institute San Juan Capistrano); PubMed 22425665 (cited by 6 submitters); PubMed 30199306 (cited by 4 submitters); PubMed 39541563 (cited by Ambry Genetics); PubMed 31911673 (cited by Quest Diagnostics Nichols Institute San Juan Capistrano); PubMed 31131967 (cited by Quest Diagnostics Nichols Institute San Juan Capistrano and Color Diagnostics, LLC DBA Color Health); PubMed 20104584 (cited by KCCC/NGS Laboratory, Kuwait Cancer Control Center).